The following is an entry in ClinVar:

NM_001148.6(ANK2):c.11198_11200del (p.Gly3733del)

Gene: ANK2 (ankyrin 2; plus strand). Cytogenetic location: 4q26.
Variant type: Deletion.
Coding change: c.11198_11200del on transcript NM_001148.6 (MANE Select); coding-DNA positions 11198 to 11200, 3 bases deleted (GGG; older notation c.11198_11200delGGG).
Protein change: p.Gly3733del; deletes glycine 3733.
Molecular consequence: inframe deletion.
Genome position (GRCh38, 1-based): chr4:113,367,731-113,367,733, GGG deleted; deleting any 3 consecutive bases within chr4:113,367,729-113,367,733 gives the same sequence; the c. name uses the placement nearest the transcript's 3' end. VCF-style (leftmost placement, unchanged base first): chr4-113367728-AGGG-A. GRCh37 (hg19) VCF-style: chr4-114288884-AGGG-A.
Other names: c.4988_4990del, p.Gly1663del (NM_001354241.2, NM_001386144.1, NM_001354240.2); c.4985_4987del, p.Gly1662del (NM_001354242.2, NM_001354231.2); c.4880_4882del, p.Gly1627del (NM_001354243.2, NM_001386143.1, NM_001354255.2); c.4877_4879del, p.Gly1626del (NM_001354244.2, NM_001354256.2, NM_001386161.1); c.4781_4783del, p.Gly1594del (NM_001354245.2, NM_001354262.2, NM_001354275.2); c.4940_4942del, p.Gly1647del (NM_001354246.2, NM_001354265.2, NM_001354235.2); c.4757_4759del, p.Gly1586del (NM_001354249.2, NM_001354266.2, NM_001354267.2 and 2 more transcripts); c.4913_4915del, p.Gly1638del (NM_001354252.2, NM_001354239.2); and 35 more; short protein forms G1639del, G3733del, G1573del, G1582del, G1586del, G1594del, G1605del, G1631del.
Identifiers: ClinVar variation 180274 (VCV000180274.2), dbSNP rs730880049, ClinGen allele CA346180.

ClinVar aggregate classification (germline): Likely benign (1 of 4 stars; one submission).

Conditions:
Brugada syndrome. Also called: Sudden unexplained nocturnal death syndrome; Sudden Unexplained Death Syndrome; Sudden Unexplained Nocturnal Death Syndrome (SUNDS); Sudden unexpected nocturnal death syndrome. Identifiers: Orphanet 130, MedGen C1142166, MONDO:0015263.

Submission:

Agnes Ginges Centre for Molecular Cardiology, Centenary Institute
Classification: Likely benign for Brugada syndrome. Last evaluated: 2018-02-09. Review status: criteria provided, single submitter. Criteria: ACMG Guidelines, 2015. Collection method: research. Allele origin: germline. Inheritance: Autosomal dominant inheritance. Affected: yes.
Comment: The ANK2 Gly3733del variant has been reported previously in 1 patient with suspected LQTS and was absent from 300 controls (Lieve KV, et al., 2004). The variant is also absent from the Genome Aggregation Database. In summary, based on the lack of segregation in our family we classify ANK2 Gly3733del as "likely benign".

Literature cited by the submitters: PubMed 23631430.